The following is an entry in ClinVar:

ClinVar aggregate classification (germline): Uncertain significance (1 of 4 stars; one submission).

Allele frequency attached by ClinVar (database versions not stated): gnomAD 0.00001; gnomAD exomes 0.00001 and 0.00002; ExAC 0.00002; TOPMed 0.00003.
gnomAD v4.1: 18 of 1,614,068 alleles (0.0011%); highest among the groups gnomAD compares: South Asian, 0.0044%; no homozygotes.

Submission:

Labcorp Genetics (formerly Invitae), Labcorp
Classification: Uncertain significance. Last evaluated: 2026-01-11. Review status: criteria provided, single submitter. Criteria: Invitae Variant Classification Sherloc (09022015). Collection method: clinical testing. Allele origin: germline.
Comment: This sequence change replaces arginine, which is basic and polar, with cysteine, which is neutral and slightly polar, at codon 105 of the COL7A1 protein (p.Arg105Cys). This variant is present in population databases (rs778085630, gnomAD 0.006%). This variant has not been reported in the literature in individuals affected with COL7A1-related conditions. ClinVar contains an entry for this variant (Variation ID: 1387574). Invitae Evidence Modeling of protein sequence and biophysical properties (such as structural, functional, and spatial information, amino acid conservation, physicochemical variation, residue mobility, and thermodynamic stability) has been performed for this missense variant. However, the output from this modeling did not meet the statistical confidence thresholds required to predict the impact of this variant on COL7A1 protein function. In summary, the available evidence is currently insufficient to determine the role of this variant in disease. Therefore, it has been classified as a Variant of Uncertain Significance.

NM_000094.4(COL7A1):c.313C>T (p.Arg105Cys)

Gene: COL7A1 (collagen type VII alpha 1 chain; minus strand). Cytogenetic location: 3p21.31.
Variant type: single nucleotide variant.
Coding change: c.313C>T on transcript NM_000094.4 (MANE Select); coding-DNA position 313, C replaced by T.
Protein change: p.Arg105Cys; replaces arginine 105 with cysteine.
Molecular consequence: missense variant.
Genome position (GRCh38, 1-based): chr3:48,593,650, G>A on the plus strand (C>T on the coding strand, the complement: COL7A1 is on the minus strand). VCF-style: chr3-48593650-G-A. GRCh37 (hg19) VCF-style: chr3-48631083-G-A.
Other names: short protein forms R105C.
Identifiers: ClinVar variation 1387574 (VCV001387574.6), dbSNP rs778085630, ClinGen allele CA2381582.